The following is an entry in ClinVar:

ClinVar aggregate classification (germline): Uncertain significance. Review status: criteria provided, multiple submitters, no conflicts (2 of 4 stars). 2 submissions from 2 submitters: Uncertain significance (2). Last evaluated 2025-08-31.

Conditions:
Hereditary breast ovarian cancer syndrome. Also called: Hereditary breast and ovarian cancer syndrome (HBOC); BRCA1- and BRCA2-Associated Hereditary Breast and Ovarian Cancer; Hereditary breast and ovarian cancer syndrome; Breast and ovarian cancer; Hereditary breast and/or ovarian cancer syndrome; Hereditary breast and ovarian cancer. Identifiers: Orphanet 145, MedGen C0677776, MeSH D061325, MONDO:0003582. Disease mechanism: loss of function.
Neurofibromatosis, type 1 (NF1). Also called: Neurofibromatosis, type I; Peripheral type neurofibromatosis; VON RECKLINGHAUSEN DISEASE; NEUROFIBROMATOSIS, TYPE I, SOMATIC. Identifiers: Orphanet 636, MedGen C0027831, MONDO:0018975, OMIM 162200. Disease mechanism: loss of function.

Submissions (2):

Labcorp Genetics (formerly Invitae), Labcorp
Classification: Uncertain significance for Neurofibromatosis, type 1. Last evaluated: 2025-08-31. Review status: criteria provided, single submitter. Criteria: Invitae Variant Classification Sherloc (09022015). Collection method: clinical testing. Allele origin: germline.
Comment: This sequence change replaces asparagine, which is neutral and polar, with threonine, which is neutral and polar, at codon 1335 of the NF1 protein (p.Asn1335Thr). This variant is not present in population databases (gnomAD no frequency). This variant has not been reported in the literature in individuals affected with NF1-related conditions. ClinVar contains an entry for this variant (Variation ID: 830271). Invitae Evidence Modeling of protein sequence and biophysical properties (such as structural, functional, and spatial information, amino acid conservation, physicochemical variation, residue mobility, and thermodynamic stability) indicates that this missense variant is expected to disrupt NF1 protein function with a positive predictive value of 95%. In summary, the available evidence is currently insufficient to determine the role of this variant in disease. Therefore, it has been classified as a Variant of Uncertain Significance.

Cancer Genomics Group, Japanese Foundation For Cancer Research
Classification: Uncertain significance for Hereditary breast and ovarian cancer syndrome. Last evaluated: 2019-05-01. Review status: criteria provided, single submitter. Criteria: ACMG Guidelines, 2015. Collection method: research. Allele origin: germline. Affected: yes.

NM_001042492.3(NF1):c.4004A>C (p.Asn1335Thr)

Gene: NF1 (neurofibromin 1; plus strand). Cytogenetic location: 17q11.2.
Variant type: single nucleotide variant.
Coding change: c.4004A>C on transcript NM_001042492.3 (MANE Select); coding-DNA position 4004, A replaced by C.
Protein change: p.Asn1335Thr; replaces asparagine 1335 with threonine.
Molecular consequence: missense variant.
Genome position (GRCh38, 1-based): chr17:31,249,013, A>C. VCF-style: chr17-31249013-A-C. GRCh37 (hg19) VCF-style: chr17-29576031-A-C.
Other names: c.4004A>C, p.Asn1335Thr (NM_000267.4); short protein forms N1335T.
Identifiers: ClinVar variation 830271 (VCV000830271.3), dbSNP rs1555617304, ClinGen allele CA398994872.